The following is an entry in ClinVar:

NM_002292.4(LAMB2):c.4003C>T (p.His1335Tyr)

Gene: LAMB2 (laminin subunit beta 2; minus strand). Cytogenetic location: 3p21.31.
Variant type: single nucleotide variant.
Coding change: c.4003C>T on transcript NM_002292.4 (MANE Select); coding-DNA position 4003, C replaced by T.
Protein change: p.His1335Tyr; replaces histidine 1335 with tyrosine.
Molecular consequence: missense variant.
Genome position (GRCh38, 1-based): chr3:49,123,353, G>A on the plus strand (C>T on the coding strand, the complement: LAMB2 is on the minus strand). VCF-style: chr3-49123353-G-A. GRCh37 (hg19) VCF-style: chr3-49160786-G-A.
Other names: short protein forms H1335Y.
Identifiers: ClinVar variation 5039395 (VCV005039395.1).

ClinVar aggregate classification (germline): Uncertain significance (1 of 4 stars; one submission).

gnomAD v4.1: 1 of 1,613,892 alleles (0.000062%); highest among the groups gnomAD compares: Non-Finnish European, 0.000085%; no homozygotes.

Submission:

CeGaT Center for Human Genetics Tuebingen
Classification: Uncertain significance. Last evaluated: 2026-08-01. Review status: criteria provided, single submitter. Criteria: CeGaT Center For Human Genetics Tuebingen Variant Classification Criteria Version 2. Collection method: clinical testing. Allele origin: germline. Affected: yes. Observed: 1 variant allele.
Comment: LAMB2: PM2, BP4